The following is an entry in ClinVar:

ClinVar aggregate classification (germline): Benign (0 of 4 stars; one submission).

Conditions:
UACA-related disorder. Also called: UACA-related condition.

Allele frequency attached by ClinVar (database versions not stated): ExAC 0.00607; gnomAD 0.01736; 1000 Genomes Project 0.02017; TOPMed 0.02044; 1000 Genomes Project 30x 0.02108; ESP Exome Variant Server 0.02256.

Submissions (21):

PreventionGenetics, part of Exact Sciences
Classification: Benign for UACA-related condition. Last evaluated: 2019-04-04. Review status: no assertion criteria provided. Collection method: clinical testing. Allele origin: germline.
Comment: This variant is classified as benign based on ACMG/AMP sequence variant interpretation guidelines (Richards et al. 2015 PMID: 25741868, with internal and published modifications).

Dr. Peter K. Rogan Lab, Western University
No classification provided (evidence only). Condition: Clear cell carcinoma of kidney. Review status: no classification provided. Collection method: in vitro. Allele origin: not applicable. Functional consequence: retained intron. Not counted in ClinVar's aggregate classification.

Dr. Peter K. Rogan Lab, Western University
No classification provided (evidence only). Condition: Clear cell carcinoma of kidney. Review status: no classification provided. Collection method: in vitro. Allele origin: not applicable. Functional consequence: retained intron. Not counted in ClinVar's aggregate classification.

Dr. Peter K. Rogan Lab, Western University
No classification provided (evidence only). Condition: Clear cell carcinoma of kidney. Review status: no classification provided. Collection method: in vitro. Allele origin: not applicable. Functional consequence: retained intron. Not counted in ClinVar's aggregate classification.

Dr. Peter K. Rogan Lab, Western University
No classification provided (evidence only). Condition: Clear cell carcinoma of kidney. Review status: no classification provided. Collection method: in vitro. Allele origin: not applicable. Functional consequence: retained intron. Not counted in ClinVar's aggregate classification.

Dr. Peter K. Rogan Lab, Western University
No classification provided (evidence only). Condition: Clear cell carcinoma of kidney. Review status: no classification provided. Collection method: in vitro. Allele origin: not applicable. Functional consequence: retained intron. Not counted in ClinVar's aggregate classification.

Dr. Peter K. Rogan Lab, Western University
No classification provided (evidence only). Condition: Lung cancer. Review status: no classification provided. Collection method: in vitro. Allele origin: not applicable. Functional consequence: retained intron. Not counted in ClinVar's aggregate classification.

Dr. Peter K. Rogan Lab, Western University
No classification provided (evidence only). Condition: Lung cancer. Review status: no classification provided. Collection method: in vitro. Allele origin: not applicable. Functional consequence: retained intron. Not counted in ClinVar's aggregate classification.

Dr. Peter K. Rogan Lab, Western University
No classification provided (evidence only). Condition: Lung cancer. Review status: no classification provided. Collection method: in vitro. Allele origin: not applicable. Functional consequence: retained intron. Not counted in ClinVar's aggregate classification.

Dr. Peter K. Rogan Lab, Western University
No classification provided (evidence only). Condition: Colon adenocarcinoma. Review status: no classification provided. Collection method: in vitro. Allele origin: not applicable. Functional consequence: retained intron. Not counted in ClinVar's aggregate classification.

Dr. Peter K. Rogan Lab, Western University
No classification provided (evidence only). Condition: Colon adenocarcinoma. Review status: no classification provided. Collection method: in vitro. Allele origin: not applicable. Functional consequence: retained intron. Not counted in ClinVar's aggregate classification.

Dr. Peter K. Rogan Lab, Western University
No classification provided (evidence only). Condition: Thyroid cancer, nonmedullary, 1. Review status: no classification provided. Collection method: in vitro. Allele origin: not applicable. Functional consequence: retained intron. Not counted in ClinVar's aggregate classification.

Dr. Peter K. Rogan Lab, Western University
No classification provided (evidence only). Condition: Thyroid cancer, nonmedullary, 1. Review status: no classification provided. Collection method: in vitro. Allele origin: not applicable. Functional consequence: retained intron. Not counted in ClinVar's aggregate classification.

Dr. Peter K. Rogan Lab, Western University
No classification provided (evidence only). Condition: Uterine corpus endometrial carcinoma. Review status: no classification provided. Collection method: in vitro. Allele origin: not applicable. Functional consequence: retained intron. Not counted in ClinVar's aggregate classification.

Dr. Peter K. Rogan Lab, Western University
No classification provided (evidence only). Condition: Uterine corpus endometrial carcinoma. Review status: no classification provided. Collection method: in vitro. Allele origin: not applicable. Functional consequence: retained intron. Not counted in ClinVar's aggregate classification.

Dr. Peter K. Rogan Lab, Western University
No classification provided (evidence only). Condition: Cervical cancer. Review status: no classification provided. Collection method: in vitro. Allele origin: not applicable. Functional consequence: retained intron. Not counted in ClinVar's aggregate classification.

Dr. Peter K. Rogan Lab, Western University
No classification provided (evidence only). Condition: Cervical cancer. Review status: no classification provided. Collection method: in vitro. Allele origin: not applicable. Functional consequence: retained intron. Not counted in ClinVar's aggregate classification.

Dr. Peter K. Rogan Lab, Western University
No classification provided (evidence only). Condition: Thymoma. Review status: no classification provided. Collection method: in vitro. Allele origin: not applicable. Functional consequence: retained intron. Not counted in ClinVar's aggregate classification.

Dr. Peter K. Rogan Lab, Western University
No classification provided (evidence only). Condition: Gastric cancer. Review status: no classification provided. Collection method: in vitro. Allele origin: not applicable. Functional consequence: retained intron. Not counted in ClinVar's aggregate classification.

Dr. Peter K. Rogan Lab, Western University
No classification provided (evidence only). Condition: Uterine carcinosarcoma. Review status: no classification provided. Collection method: in vitro. Allele origin: not applicable. Functional consequence: retained intron. Not counted in ClinVar's aggregate classification.

Dr. Peter K. Rogan Lab, Western University
No classification provided (evidence only). Condition: Uterine carcinosarcoma. Review status: no classification provided. Collection method: in vitro. Allele origin: not applicable. Functional consequence: retained intron. Not counted in ClinVar's aggregate classification.

NM_018003.4(UACA):c.974A>G (p.Asn325Ser)

Gene: UACA (uveal autoantigen with coiled-coil domains and ankyrin repeats; minus strand). Cytogenetic location: 15q23.
Variant type: single nucleotide variant.
Coding change: c.974A>G on transcript NM_018003.4 (MANE Select); coding-DNA position 974, A replaced by G.
Protein change: p.Asn325Ser; replaces asparagine 325 with serine.
Molecular consequence: missense variant.
Genome position (GRCh38, 1-based): chr15:70,678,124, T>C on the plus strand (A>G on the coding strand, the complement: UACA is on the minus strand). VCF-style: chr15-70678124-T-C. GRCh37 (hg19) VCF-style: chr15-70970463-T-C.
Other names: NC_000015.9:g.70970463T>C; c.935A>G, p.Asn312Ser (NM_001008224.3); short protein forms N312S, N325S.
Identifiers: ClinVar variation 3038728 (VCV003038728.3), dbSNP rs61746365, ClinGen allele CA7637293.